The following is an entry in ClinVar:

NM_004186.5(SEMA3F):c.1462G>A (p.Gly488Arg)

Gene: SEMA3F (semaphorin 3F; plus strand). Cytogenetic location: 3p21.31.
Variant type: single nucleotide variant.
Coding change: c.1462G>A on transcript NM_004186.5 (MANE Select); coding-DNA position 1462, G replaced by A.
Protein change: p.Gly488Arg; replaces glycine 488 with arginine.
Molecular consequence: missense variant.
Genome position (GRCh38, 1-based): chr3:50,185,448, G>A. VCF-style: chr3-50185448-G-A. GRCh37 (hg19) VCF-style: chr3-50222881-G-A.
Other names: c.1165G>A, p.Gly389Arg (NM_001318798.2); c.1369G>A, p.Gly457Arg (NM_001318800.2); short protein forms G488R, G389R, G457R.
Identifiers: ClinVar variation 4987341 (VCV004987341.1).

ClinVar aggregate classification (germline): Uncertain significance (1 of 4 stars; one submission).

Conditions:
SEMA3F-related disorder. Also called: SEMA3F-related condition.

gnomAD v4.1: 4 of 1,612,698 alleles (0.00025%); highest among the groups gnomAD compares: Admixed American, 0.005%; no homozygotes.

Submission:

PreventionGenetics, part of Exact Sciences
Classification: Uncertain significance for SEMA3F-related condition. Last evaluated: 2025-11-05. Review status: criteria provided, single submitter. Criteria: ACMG Guidelines, 2015. Collection method: clinical testing. Allele origin: germline.
Comment: The SEMA3F c.1462G>A variant is predicted to result in the amino acid substitution p.Gly488Arg. To our knowledge, this variant has not been reported in the literature. This variant is reported in 0.0058% of alleles in individuals of Latino descent in gnomAD. At this time, the clinical significance of this variant is uncertain due to the absence of conclusive functional and genetic evidence.